The following is an entry in ClinVar:

NM_000264.5(PTCH1):c.1603G>A (p.Asp535Asn)

Gene: PTCH1 (patched 1; minus strand). Cytogenetic location: 9q22.32.
Variant type: single nucleotide variant.
Coding change: c.1603G>A on transcript NM_000264.5 (MANE Select); coding-DNA position 1603, G replaced by A.
Protein change: p.Asp535Asn; replaces aspartic acid 535 with asparagine.
Molecular consequence: missense variant. On other transcripts: non-coding transcript variant (1).
Genome position (GRCh38, 1-based): chr9:95,476,159, C>T on the plus strand (G>A on the coding strand, the complement: PTCH1 is on the minus strand). VCF-style: chr9-95476159-C-T. GRCh37 (hg19) VCF-style: chr9-98238441-C-T.
Other names: c.1405G>A, p.Asp469Asn (NM_001083602.3); c.1600G>A, p.Asp534Asn (NM_001083603.3); c.1150G>A, p.Asp384Asn (NM_001083604.3, NM_001083605.3, NM_001083606.3 and 1 more transcripts); c.1447G>A, p.Asp483Asn (NM_001354918.2); short protein forms D384N, D469N, D483N, D534N, D535N.
Identifiers: ClinVar variation 3230945 (VCV003230945.5), dbSNP rs1841019568, ClinGen allele CA374118129.
Genomic context (GRCh38, chr9:95,476,159, plus strand): 5'-TGCTGATGGACGTGAGGGCCACGCTGGCTCCTGTGCGCTTCAGGCACTCCCCGGTCCTGT[C>T]CTGGGAATAAAAAAACACAGCGCTGAGAGCTGCACTGGACATGGTCCCCTTGGAGCACAG-3'
Protein context (NP_000255.2, residues 525-545): TGQNKRIPFE[Asp535Asn]RTGECLKRTG

ClinVar aggregate classification (germline): Uncertain significance. Review status: criteria provided, multiple submitters, no conflicts (2 of 4 stars). 2 submissions from 2 submitters: Uncertain significance (2). Last evaluated 2026-06-03.

Conditions:
Hereditary cancer-predisposing syndrome. Also called: Neoplastic Syndromes, Hereditary; Tumor predisposition; Hereditary Cancer Syndrome; Hereditary neoplastic syndrome. Identifiers: Orphanet 140162, MedGen C0027672, MeSH D009386, MONDO:0015356.
Gorlin syndrome. Also called: Nevoid Basal Cell Carcinoma Syndrome; Basal cell nevus syndrome. Identifiers: Orphanet 377, MedGen C0004779, MONDO:0007187.

Allele frequency attached by ClinVar (database versions not stated): gnomAD exomes 0.00001; TOPMed 0.00001.
gnomAD v4.1: 5 of 1,611,206 alleles (0.00031%); highest among the groups gnomAD compares: South Asian, 0.0011%; no homozygotes.

Submissions (2):

Ambry Genetics
Classification: Uncertain significance for Hereditary cancer-predisposing syndrome. Last evaluated: 2026-06-03. Review status: criteria provided, single submitter. Criteria: Ambry Variant Classification Scheme 2023. Collection method: clinical testing. Allele origin: germline.

Labcorp Genetics (formerly Invitae), Labcorp
Classification: Uncertain significance for Gorlin syndrome. Last evaluated: 2025-06-27. Review status: criteria provided, single submitter. Criteria: Invitae Variant Classification Sherloc (09022015). Collection method: clinical testing. Allele origin: germline.
Comment: This sequence change replaces aspartic acid, which is acidic and polar, with asparagine, which is neutral and polar, at codon 535 of the PTCH1 protein (p.Asp535Asn). This variant is not present in population databases (gnomAD no frequency). This variant has not been reported in the literature in individuals affected with PTCH1-related conditions. ClinVar contains an entry for this variant (Variation ID: 3230945). Invitae Evidence Modeling of protein sequence and biophysical properties (such as structural, functional, and spatial information, amino acid conservation, physicochemical variation, residue mobility, and thermodynamic stability) has been performed for this missense variant. However, the output from this modeling did not meet the statistical confidence thresholds required to predict the impact of this variant on PTCH1 protein function. Studies have shown that this missense change is associated with inconclusive levels of altered splicing (internal data). In summary, the available evidence is currently insufficient to determine the role of this variant in disease. Therefore, it has been classified as a Variant of Uncertain Significance.